The following is an entry in ClinVar:

NM_004380.3(CREBBP):c.7184T>C (p.Ile2395Thr)

Gene: CREBBP (CREB binding lysine acetyltransferase; minus strand). Cytogenetic location: 16p13.3.
Variant type: single nucleotide variant.
Coding change: c.7184T>C on transcript NM_004380.3 (MANE Select); coding-DNA position 7184, T replaced by C.
Protein change: p.Ile2395Thr; replaces isoleucine 2395 with threonine.
Molecular consequence: missense variant.
Genome position (GRCh38, 1-based): chr16:3,727,863, A>G on the plus strand (T>C on the coding strand, the complement: CREBBP is on the minus strand). VCF-style: chr16-3727863-A-G. GRCh37 (hg19) VCF-style: chr16-3777864-A-G.
Other names: c.7070T>C, p.Ile2357Thr (NM_001079846.1); short protein forms I2395T, I2357T.
Identifiers: ClinVar variation 1030788 (VCV001030788.6), dbSNP rs759047530, ClinGen allele CA7868939.

ClinVar aggregate classification (germline): Conflicting classifications of pathogenicity. Review status: criteria provided, conflicting classifications (1 of 4 stars). 4 submissions from 4 submitters: Uncertain significance (2); Likely benign (2). Last evaluated 2025-08-04.

Conditions:
Rubinstein-Taybi syndrome (RSTS). Identifiers: Orphanet 783, MedGen C0035934, MONDO:0019188.
Rubinstein-Taybi syndrome due to CREBBP mutations (RSTS1). Also called: RUBINSTEIN SYNDROME; BROAD THUMBS AND GREAT TOES, CHARACTERISTIC FACIES, AND IMPAIRED INTELLECTUAL DEVELOPMENT; Rubinstein-Taybi syndrome 1; CREBBP-Related Rubinstein-Taybi Syndrome; BROAD THUMB-HALLUX SYNDROME; RUBINSTEIN-TAYBI SYNDROME 1, INCOMPLETE. Identifiers: Orphanet 353277, Orphanet 783, MedGen C4551859, MONDO:0008393, OMIM 180849.
Inborn genetic diseases. Identifiers: MedGen C0950123, MeSH D030342.
Menke-Hennekam syndrome 1 (MKHK1). Identifiers: MedGen C5193034, MONDO:0020763, OMIM 618332.

Allele frequency attached by ClinVar (database versions not stated): ExAC 0.00001; gnomAD exomes 0.00001; TOPMed 0.00006; gnomAD 0.00008 and 0.00009.
gnomAD v4.1: 25 of 1,613,852 alleles (0.0015%); highest among the groups gnomAD compares: African/African-American, 0.029%; no homozygotes.

Submissions (4):

Ambry Genetics
Classification: Likely benign for Inborn genetic diseases. Last evaluated: 2025-08-04. Review status: criteria provided, single submitter. Criteria: Ambry Variant Classification Scheme 2023. Collection method: clinical testing. Allele origin: germline.

Labcorp Genetics (formerly Invitae), Labcorp
Classification: Likely benign for Rubinstein-Taybi syndrome. Last evaluated: 2025-06-13. Review status: criteria provided, single submitter. Criteria: Invitae Variant Classification Sherloc (09022015). Collection method: clinical testing. Allele origin: germline.

Fulgent Genetics
Classification: Uncertain significance for Rubinstein-Taybi syndrome due to CREBBP mutations; Menke-Hennekam syndrome 1. Last evaluated: 2021-09-11. Review status: criteria provided, single submitter. Criteria: ACMG Guidelines, 2015. Collection method: clinical testing. Allele origin: unknown.

Baylor Genetics
Classification: Uncertain significance for Rubinstein-Taybi syndrome due to CREBBP mutations. Last evaluated: 2019-02-16. Review status: criteria provided, single submitter. Criteria: ACMG Guidelines, 2015. Collection method: clinical testing. Allele origin: maternal. Affected: yes.
Comment: This variant was determined to be of uncertain significance according to ACMG Guidelines, 2015 [PMID:25741868].